The following is an entry in ClinVar:

NM_000051.4(ATM):c.5005+8A>T

Gene: ATM (ATM serine/threonine kinase; plus strand). Cytogenetic location: 11q22.3.
Variant type: single nucleotide variant.
Coding change: c.5005+8A>T on transcript NM_000051.4 (MANE Select); 8 bases into the intron after coding-DNA position 5005, A replaced by T.
Molecular consequence: intron variant.
Genome position (GRCh38, 1-based): chr11:108,297,390, A>T. VCF-style: chr11-108297390-A-T. GRCh37 (hg19) VCF-style: chr11-108168117-A-T.
Other names: c.5005+8A>T (NM_001351834.2).
Identifiers: ClinVar variation 3254286 (VCV003254286.1), dbSNP rs1204604787.

ClinVar aggregate classification (germline): Likely benign (1 of 4 stars; one submission).

Conditions:
Familial cancer of breast. Also called: BREAST CANCER, FAMILIAL; Hereditary breast cancer; hereditary breast carcinoma. Identifiers: Orphanet 227535, MedGen C0346153, MONDO:0016419, OMIM 114480. Disease mechanism: loss of function.

Submission:

Myriad Genetics, Inc.
Classification: Likely benign for Familial cancer of breast. Last evaluated: 2024-05-21. Review status: criteria provided, single submitter. Criteria: Myriad Autosomal Dominant, Autosomal Recessive and X-Linked Classification Criteria (2023). Collection method: clinical testing. Allele origin: unknown.
Comment: This variant is considered likely benign. This variant is intronic and is not expected to impact mRNA splicing.